The following is an entry in ClinVar:

ClinVar aggregate classification (germline): Uncertain significance. Review status: criteria provided, single submitter (1 of 4 stars). 2 submissions from 2 submitters: Uncertain significance (1). 1 of the submissions does not count toward it. Last evaluated 2023-05-24.

Conditions:
Galactosemia 4. Also called: GALACTOSEMIA IV; GALACTOSE MUTAROTASE DEFICIENCY. Identifiers: Orphanet 570422, MedGen C5394377, MONDO:0030105, OMIM 618881.
GALM-related disorder. Also called: GALM-related condition.

gnomAD v4.1: 5 of 1,613,700 alleles (0.00031%); highest among the groups gnomAD compares: East Asian, 0.011%; no homozygotes.

Submissions (2):

PreventionGenetics, part of Exact Sciences
Classification: Uncertain significance for GALM-related condition. Last evaluated: 2023-05-24. Review status: criteria provided, single submitter. Criteria: ACMG Guidelines, 2015. Collection method: clinical testing. Allele origin: germline.
Comment: The GALM c.799C>G variant is predicted to result in the amino acid substitution p.Arg267Gly. This variant was reported along with a second GALM variant in two individuals with galactosemia that was unexplained by variants in the GALT, GALK1 or GALE genes (Wada et al. 2019. PubMed ID: 30451973). Experimental studies were consistent with the Arg267Gly substitution impacting galactose mutarotase protein function (Wada et al. 2019. PubMed ID: 30451973). This variant has not been reported in a large population database, indicating this variant is rare. At this time, the clinical significance of this variant is uncertain due to the absence of conclusive functional and genetic evidence.

OMIM
Classification: Pathogenic for GALACTOSEMIA IV. Last evaluated: 2020-05-14. Review status: no assertion criteria provided. Collection method: literature only. Allele origin: germline. Not counted in ClinVar's aggregate classification.

Literature cited by the submitters: PubMed 30451973 (cited by OMIM).

NM_138801.3(GALM):c.799C>G (p.Arg267Gly)

Gene: GALM (galactose mutarotase; plus strand). Cytogenetic location: 2p22.1.
Variant type: single nucleotide variant.
Coding change: c.799C>G on transcript NM_138801.3 (MANE Select); coding-DNA position 799, C replaced by G.
Protein change: p.Arg267Gly; replaces arginine 267 with glycine.
Molecular consequence: missense variant.
Genome position (GRCh38, 1-based): chr2:38,731,757, C>G. VCF-style: chr2-38731757-C-G. GRCh37 (hg19) VCF-style: chr2-38958899-C-G.
Other names: short protein forms R267G.
Identifiers: ClinVar variation 873022 (VCV000873022.2), dbSNP rs1229797646, ClinGen allele CA346341192.